The following is an entry in ClinVar:

ClinVar aggregate classification (germline): Uncertain significance (1 of 4 stars; one submission).

Conditions:
Acute myeloid leukemia (AML). Also called: Acute myeloid leukemia, adult; AML adult; Acute non-lymphocytic leukemia; Acute granulocytic leukemia; Leukemia, acute myeloid, somatic; Leukemia, acute myelogenous, somatic. Identifiers: Orphanet 519, MedGen C0023467, MeSH D015470, MONDO:0018874, OMIM 601626, HP:0004808. Disease mechanism: Constitutively activated FLT3.

Submission:

Labcorp Genetics (formerly Invitae), Labcorp
Classification: Uncertain significance for Acute myeloid leukemia. Last evaluated: 2023-05-11. Review status: criteria provided, single submitter. Criteria: Invitae Variant Classification Sherloc (09022015). Collection method: clinical testing. Allele origin: germline.
Comment: This sequence change replaces proline, which is neutral and non-polar, with alanine, which is neutral and non-polar, at codon 233 of the CEBPA protein (p.Pro233Ala). This variant is not present in population databases (gnomAD no frequency). This variant has not been reported in the literature in individuals affected with CEBPA-related conditions. Advanced modeling of protein sequence and biophysical properties (such as structural, functional, and spatial information, amino acid conservation, physicochemical variation, residue mobility, and thermodynamic stability) performed at Invitae indicates that this missense variant is expected to disrupt CEBPA protein function. In summary, the available evidence is currently insufficient to determine the role of this variant in disease. Therefore, it has been classified as a Variant of Uncertain Significance.

NM_004364.5(CEBPA):c.697C>G (p.Pro233Ala)

Gene: CEBPA (CCAAT enhancer binding protein alpha; minus strand). Cytogenetic location: 19q13.11.
Variant type: single nucleotide variant.
Coding change: c.697C>G on transcript NM_004364.5 (MANE Select); coding-DNA position 697, C replaced by G.
Protein change: p.Pro233Ala; replaces proline 233 with alanine.
Molecular consequence: missense variant.
Genome position (GRCh38, 1-based): chr19:33,301,718, G>C on the plus strand (C>G on the coding strand, the complement: CEBPA is on the minus strand). VCF-style: chr19-33301718-G-C. GRCh37 (hg19) VCF-style: chr19-33792624-G-C.
Other names: c.340C>G, p.Pro114Ala (NM_001285829.2); c.802C>G, p.Pro268Ala (NM_001287424.2); c.655C>G, p.Pro219Ala (NM_001287435.2); short protein forms P233A, P268A, P114A, P219A.
Identifiers: ClinVar variation 2873016 (VCV002873016.3), dbSNP rs933936962, ClinGen allele CA405274396.
Genomic context (GRCh38, chr19:33,301,718, plus strand): 5'-GCGCGCTGCCAGGGCCCGGCAGGCCGGCGGCACCGAGCGCGGGCGCGGGGTGCGGGCTGG[G>C]CACGGGCGTGGGCGGCGGCGTGGGGTGACCGGGCTGCAGGTGCATGGTGGTCTGGCCGCA-3'
Protein context (NP_004355.2, residues 223-243): GHPTPPPTPV[Pro233Ala]SPHPAPALGA